The following is an entry in ClinVar:

NM_001379110.1(SLC9A6):c.1871C>G (p.Ser624Cys)

Gene: SLC9A6 (solute carrier family 9 member A6; plus strand). Cytogenetic location: Xq26.3.
Variant type: single nucleotide variant.
Coding change: c.1871C>G on transcript NM_001379110.1 (MANE Select); coding-DNA position 1871, C replaced by G.
Protein change: p.Ser624Cys; replaces serine 624 with cysteine.
Molecular consequence: missense variant.
Genome position (GRCh38, 1-based): chrX:136,044,555, C>G. VCF-style: chrX-136044555-C-G. GRCh37 (hg19) VCF-style: chrX-135126714-C-G.
Other names: c.1841C>G (NM_006359.2); c.1937C>G, p.Ser646Cys (NM_001042537.2); c.1781C>G, p.Ser594Cys (NM_001177651.2, NM_001400909.1, NM_001400910.1 and 2 more transcripts); c.1685C>G, p.Ser562Cys (NM_001330652.2, NM_001400913.1); c.1841C>G, p.Ser614Cys (NM_006359.3); short protein forms S562C, S594C, S614C, S624C, S646C.
Identifiers: ClinVar variation 3391245 (VCV003391245.2).

ClinVar aggregate classification (germline): Uncertain significance. Review status: criteria provided, multiple submitters, no conflicts (2 of 4 stars). 2 submissions from 2 submitters: Uncertain significance (2). Last evaluated 2026-01-21.

Conditions:
Christianson syndrome (MRXSCH). Also called: INTELLECTUAL DEVELOPMENTAL DISORDER, X-LINKED, SYNDROMIC, CHRISTIANSON TYPE; X-linked mental retardation, syndromic, Christianson type; SLC9A6-Related Syndromic Mental Retardation. Identifiers: Orphanet 85278, MedGen C2678194, MONDO:0010278, OMIM 300243.
SLC9A6-related disorder. Also called: SLC9A6-related condition.

gnomAD v4.1: 1 of 1,209,167 alleles (0.000083%); highest among the groups gnomAD compares: South Asian, 0.0018%; no homozygotes.

Submissions (2):

PreventionGenetics, part of Exact Sciences
Classification: Uncertain significance for SLC9A6-related condition. Last evaluated: 2026-01-21. Review status: criteria provided, single submitter. Criteria: ACMG Guidelines, 2015. Collection method: clinical testing. Allele origin: germline.
Comment: The SLC9A6 c.1841C>G variant is predicted to result in the amino acid substitution p.Ser614Cys. To our knowledge, this variant has not been reported in the literature or in a large population database (gnomAD), indicating this variant is rare. At this time, the clinical significance of this variant is uncertain due to the absence of conclusive functional and genetic evidence.

Neuberg Centre For Genomic Medicine, NCGM
Classification: Uncertain significance for Christianson syndrome. Last evaluated: 2023-07-22. Review status: criteria provided, single submitter. Criteria: ACMG Guidelines, 2015. Collection method: clinical testing. Allele origin: germline. Inheritance: X-linked inheritance. Affected: yes.
Comment: The observed missense variant c.1871C>Gp.Ser624Cys in SLC9A6 gene has not been reported previously as a pathogenic variant nor as a benign variant, to our knowledge. The p.Ser624Cys variant is absent in gnomAD Exomes. The amino acid Ser at position 624 is changed to a Cys changing protein sequence and it might alter its composition and physico-chemical properties. Multiple lines of computational evidence Polyphen-possibly damaging, SIFT-damaging and Mutation Taster- disease causing predict a damaging effect on protein structure and function for this variant. The reference amino acid p.Ser624Cys in SLC9A6 is predicted as conserved by GERP++ and PhyloP across 100 vertebrates. For these reasons, this variant has been classified as Uncertain Significance.